The following is an entry in ClinVar:

ClinVar aggregate classification (germline): Pathogenic. Review status: criteria provided, multiple submitters, no conflicts (2 of 4 stars). 2 submissions from 2 submitters: Pathogenic (2). Last evaluated 2024-05-04.

Conditions:
Hereditary cancer-predisposing syndrome. Also called: Tumor predisposition; Hereditary Cancer Syndrome; Hereditary neoplastic syndrome; Neoplastic Syndromes, Hereditary. Identifiers: Orphanet 140162, MedGen C0027672, MeSH D009386, MONDO:0015356.

Submissions (3):

Ambry Genetics
Classification: Pathogenic for Hereditary cancer-predisposing syndrome. Last evaluated: 2024-05-04. Review status: criteria provided, single submitter. Criteria: Ambry Variant Classification Scheme 2023. Collection method: clinical testing. Allele origin: germline.
Comment: The p.G1738R pathogenic mutation (also known as c.5212G>C), located in coding exon 18 of the BRCA1 gene, results from a G to C substitution at nucleotide position 5212. The glycine at codon 1738 is replaced by arginine, an amino acid with dissimilar properties. This alteration was identified in an individual diagnosed with a triple negative breast cancer (Rioki JN et al. Pan Afr Med J, 2023 Jun;45:102). One functional study found that this nucleotide substitution is non-functional in a high throughput genome editing haploid cell survival assay (Findlay GM et al. Nature, 2018 Oct;562:217-222). Another variant at the same codon, p.G1738R (c.5212G>A), has been described as a Greek founder mutation and is non-functional in a high throughput genome editing haploid cell survival assay (Anagnostopoulos T et al. Breast Cancer Res Treat. 2008;110(2):377-85; Findlay GM et al. Nature, 2018 Oct;562:217-222). This amino acid position is highly conserved in available vertebrate species. In addition, this alteration is predicted to be deleterious by in silico analysis. This variant is considered to be rare based on population cohorts in the Genome Aggregation Database (gnomAD). Based on the supporting evidence, this variant is interpreted as a disease-causing mutation.

Color Diagnostics, LLC DBA Color Health
Classification: Pathogenic for Hereditary cancer-predisposing syndrome. Last evaluated: 2021-07-16. Review status: criteria provided, single submitter. Criteria: ACMG Guidelines, 2015. Collection method: clinical testing. Allele origin: germline.
Comment: This missense variant replaces glycine with arginine at codon 1738 of the BRCA1 protein. Computational prediction suggests that this variant may have deleterious impact on protein structure and function (internally defined REVEL score threshold >= 0.7, PMID: 27666373). Functional studies have shown that this variant destabilizes protein, increases protease sensitivity, and reduces transcription activity (PMID: 14534301, 15353005, 17305420, 17308087, 18036263, 20516115, 30209399). BRCA1 p.Gly1738Arg is a founder mutation in the Greek population, has been shown to co-segregate with disease, and has been reported in over 100 individuals with breast cancer, ovarian cancer, colorectal cancer, prostate cancer, and pancreatic cancer (PMID: 12142080, 17453335, 17902052, 19491894, 22085629, 23536787, 29310832, 29446198, 30340058, 31980407, 33274848). This variant has not been identified in the general population by the Genome Aggregation Database (gnomAD). Based on the available evidence, this variant is classified as Pathogenic.

Brotman Baty Institute, University of Washington
No classification provided (evidence only). Condition: Breast-ovarian cancer, familial 1. Review status: no classification provided. Collection method: in vitro. Allele origin: not applicable. Functional consequence: functionally_abnormal. Not counted in ClinVar's aggregate classification.
ClinVar note: "not provided" was previously submitted as the classification for the variant. However, the classification appeared to be based only on an observation of functional data so it was converted to no classification on 2025-07-30.

Literature cited by the submitters: PubMed 30209399 (cited by Ambry Genetics); PubMed 37719058 (cited by Ambry Genetics).

NM_007294.4(BRCA1):c.5212G>C (p.Gly1738Arg)

Gene: BRCA1 (BRCA1 DNA repair associated; minus strand). Cytogenetic location: 17q21.31.
Variant type: single nucleotide variant.
Coding change: c.5212G>C on transcript NM_007294.4 (MANE Select); coding-DNA position 5212, G replaced by C.
Protein change: p.Gly1738Arg; replaces glycine 1738 with arginine.
Molecular consequence: missense variant. On other transcripts: non-coding transcript variant (1).
Genome position (GRCh38, 1-based): chr17:43,057,117, C>G on the plus strand (G>C on the coding strand, the complement: BRCA1 is on the minus strand). VCF-style: chr17-43057117-C-G. GRCh37 (hg19) VCF-style: chr17-41209134-C-G.
Other names: c.5209G>C, p.Gly1737Arg (NM_001407619.1, NM_001407620.1, NM_001407621.1 and 17 more transcripts); c.5206G>C, p.Gly1736Arg (NM_001407627.1, NM_001407628.1, NM_001407629.1 and 14 more transcripts); c.4999G>C, p.Gly1667Arg (NM_001407571.1, NM_001407900.1, NM_001407902.1 and 12 more transcripts); c.5278G>C, p.Gly1760Arg (NM_001407581.1, NM_001407582.1); c.5275G>C, p.Gly1759Arg (NM_001407583.1, NM_001407585.1, NM_001407587.1 and 1 more transcripts); c.5152G>C, p.Gly1718Arg (NM_001407649.1); c.5134G>C, p.Gly1712Arg (NM_001407652.1, NM_001407653.1, NM_001407654.1 and 1 more transcripts); c.5131G>C, p.Gly1711Arg (NM_001407656.1, NM_001407657.1, NM_001407658.1); and 72 more; short protein forms G1759R, G634R, G1738R, G1691R, G1442R, G1584R, G1626R, G1627R.
Identifiers: ClinVar variation 865165 (VCV000865165.7), dbSNP rs80356937, ClinGen allele CA10591114.